The following is an entry in ClinVar:

NM_000038.6(APC):c.7763A>G (p.Asp2588Gly)

Gene: APC (APC regulator of Wnt signaling pathway; plus strand). Cytogenetic location: 5q22.2.
Variant type: single nucleotide variant.
Coding change: c.7763A>G on transcript NM_000038.6 (MANE Select); coding-DNA position 7763, A replaced by G.
Protein change: p.Asp2588Gly; replaces aspartic acid 2588 with glycine.
Molecular consequence: missense variant.
Genome position (GRCh38, 1-based): chr5:112,843,357, A>G. VCF-style: chr5-112843357-A-G. GRCh37 (hg19) VCF-style: chr5-112179054-A-G.
Other names: c.7763A>G, p.Asp2588Gly (NM_001127510.3, NM_001354895.2); c.7709A>G, p.Asp2570Gly (NM_001127511.3); c.7817A>G, p.Asp2606Gly (NM_001354896.2); c.7793A>G, p.Asp2598Gly (NM_001354897.2); c.7688A>G, p.Asp2563Gly (NM_001354898.2); c.7679A>G, p.Asp2560Gly (NM_001354899.2); c.7640A>G, p.Asp2547Gly (NM_001354900.2); c.7586A>G, p.Asp2529Gly (NM_001354901.2); and 5 more; short protein forms D2588G, D2570G, D2598G, D2606G, D2497G, D2547G, D2560G, D2305G.
Identifiers: ClinVar variation 482420 (VCV000482420.11), dbSNP rs1554088648, ClinGen allele CA16038194.

ClinVar aggregate classification (germline): Uncertain significance. Review status: criteria provided, multiple submitters, no conflicts (2 of 4 stars). 3 submissions from 3 submitters: Uncertain significance (3). Last evaluated 2025-05-28.

Conditions:
Hereditary cancer-predisposing syndrome. Also called: Neoplastic Syndromes, Hereditary; Tumor predisposition; Hereditary Cancer Syndrome; Hereditary neoplastic syndrome. Identifiers: Orphanet 140162, MedGen C0027672, MeSH D009386, MONDO:0015356.
Familial adenomatous polyposis 1 (FAP1). Also called: FAMILIAL ADENOMATOUS POLYPOSIS 1, ATTENUATED; POLYPOSIS, ADENOMATOUS INTESTINAL. Identifiers: MedGen C2713442, MONDO:0021056, OMIM 175100. Disease mechanism: loss of function.

gnomAD v4.1: 1 of 1,613,994 alleles (0.000062%); highest among the groups gnomAD compares: Non-Finnish European, 0.000085%; no homozygotes.

Submissions (3):

Labcorp Genetics (formerly Invitae), Labcorp
Classification: Uncertain significance for Familial adenomatous polyposis 1. Last evaluated: 2025-05-28. Review status: criteria provided, single submitter. Criteria: Invitae Variant Classification Sherloc (09022015). Collection method: clinical testing. Allele origin: germline.
Comment: This sequence change replaces aspartic acid, which is acidic and polar, with glycine, which is neutral and non-polar, at codon 2588 of the APC protein (p.Asp2588Gly). This variant is not present in population databases (gnomAD no frequency). This variant has not been reported in the literature in individuals affected with APC-related conditions. ClinVar contains an entry for this variant (Variation ID: 482420). Invitae Evidence Modeling of protein sequence and biophysical properties (such as structural, functional, and spatial information, amino acid conservation, physicochemical variation, residue mobility, and thermodynamic stability) indicates that this missense variant is not expected to disrupt APC protein function with a negative predictive value of 95%. In summary, the available evidence is currently insufficient to determine the role of this variant in disease. Therefore, it has been classified as a Variant of Uncertain Significance.

GeneDx
Classification: Uncertain significance. Last evaluated: 2023-05-09. Review status: criteria provided, single submitter. Criteria: GeneDx Variant Classification Process June 2021. Collection method: clinical testing. Allele origin: germline. Affected: yes.
Comment: Not observed at significant frequency in large population cohorts (gnomAD); In silico analysis supports that this missense variant does not alter protein structure/function; Has not been previously published as pathogenic or benign to our knowledge; This variant is associated with the following publications: (PMID: 18199528)

Ambry Genetics
Classification: Uncertain significance for Hereditary cancer-predisposing syndrome. Last evaluated: 2016-10-20. Review status: criteria provided, single submitter. Criteria: Ambry Variant Classification Scheme 2023. Collection method: clinical testing. Allele origin: germline.
Comment: The p.D2588G variant (also known as c.7763A>G), located in coding exon 15 of the APC gene, results from an A to G substitution at nucleotide position 7763. The aspartic acid at codon 2588 is replaced by glycine, an amino acid with similar properties. This variant was not reported in population based cohorts in the following databases: Database of Single Nucleotide Polymorphisms (dbSNP), NHLBI Exome Sequencing Project (ESP), and 1000 Genomes Project. In the ESP, this variant was not observed in 6502 samples (13004 alleles) with coverage at this position. To date, this alteration has been detected with an allele frequency of approximately 0.001% (greater than 90000 alleles tested) in our clinical cohort. This amino acid position is highly conserved in available vertebrate species. In addition, in silico predictors for this gene do not accurately predict pathogenicity. Since supporting evidence is limited at this time, the clinical significance of this alteration remains unclear.